The following is an entry in ClinVar:

ClinVar aggregate classification (germline): Uncertain significance (1 of 4 stars; one submission).

Submission:

Labcorp Genetics (formerly Invitae), Labcorp
Classification: Uncertain significance. Last evaluated: 2025-01-29. Review status: criteria provided, single submitter. Criteria: Invitae Variant Classification Sherloc (09022015). Collection method: clinical testing. Allele origin: germline.
Comment: This sequence change creates a premature translational stop signal (p.Leu7Trpfs*40) in the ROM1 gene. It is expected to result in an absent or disrupted protein product. However, the current clinical and genetic evidence is not sufficient to establish whether loss-of-function variants in ROM1 cause disease. This variant is not present in population databases (gnomAD no frequency). This variant has not been reported in the literature in individuals affected with ROM1-related conditions. ClinVar contains an entry for this variant (Variation ID: 1942158). In summary, the available evidence is currently insufficient to determine the role of this variant in disease. Therefore, it has been classified as a Variant of Uncertain Significance.

NM_000327.4(ROM1):c.19del (p.Leu7fs)

Gene: ROM1 (retinal outer segment membrane protein 1; plus strand). Cytogenetic location: 11q12.3.
Variant type: Deletion.
Coding change: c.19del on transcript NM_000327.4 (MANE Select); coding-DNA position 19, one base deleted (C; older notation c.19delC).
Protein change: p.Leu7fs; shifts the reading frame from leucine 7.
Molecular consequence: frameshift variant.
Genome position (GRCh38, 1-based): chr11:62,613,300, C deleted; the last of 4 consecutive C bases (chr11:62,613,297-62,613,300); deleting any one gives the same sequence. VCF-style (leftmost placement, unchanged base first): chr11-62613296-GC-G. GRCh37 (hg19) VCF-style: chr11-62380768-GC-G.
Other names: short protein forms L7fs.
Identifiers: ClinVar variation 1942158 (VCV001942158.5), dbSNP rs1198636616, ClinGen allele CA599797038.